The following is an entry in ClinVar:

NM_007126.5(VCP):c.2077C>T (p.Arg693Cys)

Gene: VCP (valosin containing protein; minus strand). Cytogenetic location: 9p13.3.
Variant type: single nucleotide variant.
Coding change: c.2077C>T on transcript NM_007126.5 (MANE Select); coding-DNA position 2077, C replaced by T.
Protein change: p.Arg693Cys; replaces arginine 693 with cysteine.
Molecular consequence: missense variant.
Genome position (GRCh38, 1-based): chr9:35,059,147, G>A on the plus strand (C>T on the coding strand, the complement: VCP is on the minus strand). VCF-style: chr9-35059147-G-A. GRCh37 (hg19) VCF-style: chr9-35059144-G-A.
Other names: c.1942C>T, p.Arg648Cys (NM_001354927.2, NM_001354928.2); short protein forms R693C, R648C.
Identifiers: ClinVar variation 452025 (VCV000452025.3), dbSNP rs1490390928, ClinGen allele CA373273844.
Genomic context (GRCh38, chr9:35,059,147, plus strand): 5'-TCTCTCGTTCTCGCCTAATCTCACTCTCGATGGATTCACGGATGGCCAGCTTGCAAGCAC[G>A]CTGGCAAATCTCTGTCAGGTCAGCTCCAGAGAAGCCATTAGTCATTTTAGCCAGGAACTC-3'
Protein context (NP_009057.1, residues 683-703): SGADLTEICQ[Arg693Cys]ACKLAIRESI

ClinVar aggregate classification (germline): Likely pathogenic (1 of 4 stars; one submission).

Allele frequency attached by ClinVar (database versions not stated): gnomAD exomes below 0.00001.
gnomAD v4.1: 3 of 1,614,072 alleles (0.00019%); highest among the groups gnomAD compares: Non-Finnish European, 0.00025%; no homozygotes.

Submission:

GeneDx
Classification: Likely pathogenic. Last evaluated: 2025-10-01. Review status: criteria provided, single submitter. Criteria: GeneDx Variant Classification Process June 2021. Collection method: clinical testing. Allele origin: germline. Affected: yes.
Comment: Not observed at significant frequency in large population cohorts (gnomAD); In silico analysis supports that this missense variant has a deleterious effect on protein structure/function; This variant is associated with the following publications: (PMID: 35982159, 33057194, 35468861)